The following is an entry in ClinVar:

NM_005629.4(SLC6A8):c.993C>G (p.Asn331Lys)

Gene: SLC6A8 (solute carrier family 6 member 8; plus strand). Cytogenetic location: Xq28.
Variant type: single nucleotide variant.
Coding change: c.993C>G on transcript NM_005629.4 (MANE Select); coding-DNA position 993, C replaced by G.
Protein change: p.Asn331Lys; replaces asparagine 331 with lysine.
Molecular consequence: missense variant.
Genome position (GRCh38, 1-based): chrX:153,693,343, C>G. VCF-style: chrX-153693343-C-G. GRCh37 (hg19) VCF-style: chrX-152958798-C-G.
Other names: NM_001142805.2:c.993C>G; c.993C>G, p.Asn331Lys (NM_001142805.2); c.648C>G, p.Asn216Lys (NM_001142806.1); short protein forms N216K, N331K.
Identifiers: ClinVar variation 2683729 (VCV002683729.1), dbSNP rs2522162815, ClinGen allele CA415084839.

ClinVar aggregate classification (germline): Uncertain significance (3 of 4 stars; one submission).

Conditions:
Creatine transporter deficiency (CCDS1). Also called: CEREBRAL CREATINE DEFICIENCY SYNDROME 1; Mental retardation , X-linked with seizures, short stature and midface hypoplasia; Mental retardation , X-linked, with creatine transport deficiency; X-linked creatine transporter deficiency; X-linked creatine deficiency syndrome; SLC6A8-Related Creatine Transporter Deficiency. Identifiers: Orphanet 52503, MedGen C1845862, MONDO:0010305, OMIM 300352.

Submission:

ClinGen Cerebral Creatine Deficiency Syndromes Variant Curation Expert Panel, ClinGen
Classification: Uncertain significance for Creatine transporter deficiency. Last evaluated: 2023-11-08. Review status: reviewed by expert panel. Criteria: ClinGen_CCDS_ACMG_Specifications_SLC6A8_v1.1. Collection method: curation. Allele origin: germline.
Comment: The NM_005629.4(SLC6A8):c.993C>G variant in SLC6A8 is a missense variant predicted to cause substitution of Asparagine for Lysine at amino acid 331 p.(Asn331Lys). This variant is absent from gnomAD v2.1.1, therefore PM2_Supporting criteria is applicable. The computational predictor REVEL gives a score of 0.665 which is less than the threshold of 0.75 established for in silico predictions, therefore PP3 criteria is not applicable. This variant has not been previously reported in ClinVar, and other variants at p.Asn331 are also not reported there. In summary, this variant meets the criteria to be classified as a Variant of Uncertain Significance for Creatine Transporter Deficiency based on the ACMG/AMP criteria applied, as specified by the ClinGen Cerebral Creatine Deficiency Syndromes Variant Curation Expert Panel (Specifications Version 1.0): PP4_Strong, PM2_Supporting. (Classification approved by the ClinGen CCDS VCEP on Nov. 8, 2023)